The following is an entry in ClinVar:

ClinVar aggregate classification (germline): Uncertain significance. Review status: criteria provided, multiple submitters, no conflicts (2 of 4 stars). 2 submissions from 2 submitters: Uncertain significance (2). Last evaluated 2026-07-30.

Submissions (2):

Ambry Genetics
Classification: Uncertain significance. Last evaluated: 2026-07-30. Review status: criteria provided, single submitter. Criteria: Ambry Variant Classification Scheme 2023. Collection method: clinical testing. Allele origin: germline.
Comment: The c.2263delG variant, located in coding exon 12 of the ATRIP gene, results from a deletion of one nucleotide at nucleotide position 2263, causing a translational frameshift with a predicted alternate stop codon (p.V755Sfs*11). The evidence for this gene-disease relationship is limited; therefore, the clinical significance of this variant is unclear.

Labcorp Genetics (formerly Invitae), Labcorp
Classification: Uncertain significance. Last evaluated: 2025-03-24. Review status: criteria provided, single submitter. Criteria: Invitae Variant Classification Sherloc (09022015). Collection method: clinical testing. Allele origin: germline.
Comment: This sequence change creates a premature translational stop signal (p.Val755Serfs*11) in the ATRIP gene. While this is not anticipated to result in nonsense mediated decay, it is expected to disrupt the last 37 amino acid(s) of the ATRIP protein. This variant is not present in population databases (gnomAD no frequency). This variant has not been reported in the literature in individuals affected with ATRIP-related conditions. Experimental studies and prediction algorithms are not available or were not evaluated, and the functional significance of this variant is currently unknown. In summary, the available evidence is currently insufficient to determine the role of this variant in disease. Therefore, it has been classified as a Variant of Uncertain Significance.

NM_130384.3(ATRIP):c.2263del (p.Val755fs)

Genes: ATRIP (ATR interacting protein; plus strand), ATRIP-TREX1 (ATRIP-TREX1 readthrough; plus strand). Cytogenetic location: 3p21.31.
Variant type: Deletion.
Coding change: c.2263del on transcript NM_130384.3 (MANE Select); coding-DNA position 2263, one base deleted (G; older notation c.2263delG).
Protein change: p.Val755fs; shifts the reading frame from valine 755.
Molecular consequence: frameshift variant. On other transcripts: non-coding transcript variant (1).
Genome position (GRCh38, 1-based): chr3:48,465,038, G deleted; the last of 5 consecutive G bases (chr3:48,465,034-48,465,038); deleting any one gives the same sequence. VCF-style (leftmost placement, unchanged base first): chr3-48465033-CG-C. GRCh37 (hg19) VCF-style: chr3-48506432-CG-C.
Other names: c.1882del, p.Val628fs (NM_001271022.2); c.1984del, p.Val662fs (NM_001271023.2); c.2182del, p.Val728fs (NM_032166.4); short protein forms V628fs, V728fs, V755fs, V662fs.
Identifiers: ClinVar variation 4181727 (VCV004181727.3).